The following is an entry in ClinVar:

ClinVar aggregate classification (germline): Conflicting classifications of pathogenicity. Review status: criteria provided, conflicting classifications (1 of 4 stars). 3 submissions from 3 submitters: Uncertain significance (1); Likely benign (2). Last evaluated 2025-06-04.

Conditions:
Familial thoracic aortic aneurysm and aortic dissection (TAAD). Also called: Thoracic aortic aneurysms and dissections. Identifiers: Orphanet 91387, MedGen C4707243, MONDO:0019625.
Ehlers-Danlos syndrome, type 4 (EDSVASC). Also called: Ehlers-Danlos syndrome vascular type; Ehlers Danlos syndrome, ecchymotic type; Ehlers Danlos syndrome, arterial type; Ehlers Danlos syndrome, Sack-Barabas type; Ehlers-Danlos Syndrome Type IV. Identifiers: Orphanet 286, MedGen C0268338, MONDO:0017314, OMIM 130050.

Allele frequency attached by ClinVar (database versions not stated): gnomAD exomes below 0.00001; TOPMed 0.00001; gnomAD 0.00003.
gnomAD v4.1: 6 of 1,611,890 alleles (0.00037%); highest among the groups gnomAD compares: African/African-American, 0.008%; no homozygotes.

Submissions (3):

Color Diagnostics, LLC DBA Color Health
Classification: Likely benign for Familial thoracic aortic aneurysm and aortic dissection. Last evaluated: 2025-06-04. Review status: criteria provided, single submitter. Criteria: ACMG Guidelines, 2015. Collection method: clinical testing. Allele origin: germline.

Labcorp Genetics (formerly Invitae), Labcorp
Classification: Likely benign for Ehlers-Danlos syndrome, type 4. Last evaluated: 2025-04-17. Review status: criteria provided, single submitter. Criteria: Invitae Variant Classification Sherloc (09022015). Collection method: clinical testing. Allele origin: germline.

All of Us Research Program, National Institutes of Health
Classification: Uncertain significance for Ehlers-Danlos syndrome, type 4. Last evaluated: 2023-08-15. Review status: criteria provided, single submitter. Criteria: ACMG Guidelines, 2015. Collection method: clinical testing. Allele origin: germline. Inheritance: Autosomal dominant inheritance. Observed: 1 variant allele, 1 heterozygote.
Comment: This variant causes a T to A nucleotide substitution at the -15 position of intron 32 of the COL3A1 gene. To our knowledge, functional studies have not been reported for this variant. This variant has not been reported in individuals affected with COL3A1-related disorders in the literature. This variant has been identified in 2/280828 chromosomes in the general population by the Genome Aggregation Database (gnomAD). The available evidence is insufficient to determine the role of this variant in disease conclusively. Therefore, this variant is classified as a Variant of Uncertain Significance.

This study involves interpretation of variants in research participants for the purpose of population health screening. Participant phenotype was not available at the time of variant classification. Additional details can be found in publication PMID: 35346344, PMCID: PMC8962531

NM_000090.4(COL3A1):c.2284-15T>A

Gene: COL3A1 (collagen type III alpha 1 chain; plus strand). Cytogenetic location: 2q32.2.
Variant type: single nucleotide variant.
Coding change: c.2284-15T>A on transcript NM_000090.4 (MANE Select); 15 bases into the intron before coding-DNA position 2284, T replaced by A.
Molecular consequence: intron variant.
Genome position (GRCh38, 1-based): chr2:189,001,382, T>A. VCF-style: chr2-189001382-T-A. GRCh37 (hg19) VCF-style: chr2-189866108-T-A.
Identifiers: ClinVar variation 2893108 (VCV002893108.5), dbSNP rs992793284, ClinGen allele CA62555603.